The following is an entry in ClinVar:

ClinVar aggregate classification (germline): Benign. Review status: criteria provided, multiple submitters, no conflicts (2 of 4 stars). 3 submissions from 3 submitters: Benign (2). 1 of the submissions does not count toward it. Last evaluated 2018-03-29.

Conditions:
OGG1-related disorder. Also called: OGG1-related condition.

Allele frequency attached by ClinVar (database versions not stated): 1000 Genomes Project 30x 0.00047; TOPMed 0.00156; ESP Exome Variant Server 0.00231; gnomAD exomes 0.00013 and 0.00039; 1000 Genomes Project 0.00040; ExAC 0.00050; gnomAD 0.00126 and 0.00137.

Submissions (3):

Labcorp Genetics (formerly Invitae), Labcorp
Classification: Benign. Last evaluated: 2018-03-29. Review status: criteria provided, single submitter. Criteria: Invitae Variant Classification Sherloc (09022015). Collection method: clinical testing. Allele origin: germline.

Breakthrough Genomics
Classification: Benign. Review status: criteria provided, single submitter. Criteria: ACMG Guidelines, 2015. Collection method: not provided. Allele origin: germline. Inheritance: Unknown mechanism. Affected: yes.

PreventionGenetics, part of Exact Sciences
Classification: Likely benign for OGG1-related condition. Last evaluated: 2020-02-05. Review status: no assertion criteria provided. Collection method: clinical testing. Allele origin: germline. Not counted in ClinVar's aggregate classification.
Comment: This variant is classified as likely benign based on ACMG/AMP sequence variant interpretation guidelines (Richards et al. 2015 PMID: 25741868, with internal and published modifications).

NM_002542.6(OGG1):c.949-5T>C

Gene: OGG1 (8-oxoguanine DNA glycosylase; plus strand). Cytogenetic location: 3p25.3.
Variant type: single nucleotide variant.
Coding change: c.949-5T>C on transcript NM_002542.6 (MANE Select); 5 bases into the intron before coding-DNA position 949, T replaced by C.
Molecular consequence: intron variant. On other transcripts: 3 prime UTR variant (2), missense variant (1), non-coding transcript variant (3).
Genome position (GRCh38, 1-based): chr3:9,757,056, T>C. VCF-style: chr3-9757056-T-C. GRCh37 (hg19) VCF-style: chr3-9798740-T-C.
Other names: c.961T>C (NM_016820.3); c.*213T>C (NM_001354648.2, NM_016819.4); c.961T>C, p.Tyr321His (NM_016820.4); c.948+240T>C (NM_016828.3, NM_016829.3, NM_016821.3); c.898+435T>C (NM_001354651.2); c.797+240T>C (NM_001354652.2, NM_001354650.2); c.747+2171T>C (NM_016826.3); c.565+5107T>C (NM_016827.3); and 1 more; short protein forms Y321H.
Identifiers: ClinVar variation 719635 (VCV000719635.6), dbSNP rs3219013, ClinGen allele CA2242819.